The following is an entry in ClinVar:

NM_201525.4(ADGRG1):c.1468G>A (p.Glu490Lys)

Gene: ADGRG1 (adhesion G protein-coupled receptor G1; plus strand). Cytogenetic location: 16q21.
Variant type: single nucleotide variant.
Coding change: c.1468G>A on transcript NM_201525.4 (MANE Select); coding-DNA position 1468, G replaced by A.
Protein change: p.Glu490Lys; replaces glutamic acid 490 with lysine.
Molecular consequence: missense variant.
Genome position (GRCh38, 1-based): chr16:57,659,594, G>A. VCF-style: chr16-57659594-G-A. GRCh37 (hg19) VCF-style: chr16-57693506-G-A.
Other names: c.1468G>A, p.Glu490Lys (NM_001145770.3, NM_001145772.3, NM_001145774.3 and 7 more transcripts); c.1486G>A, p.Glu496Lys (NM_001145771.3, NM_001370428.1, NM_001370429.1 and 4 more transcripts); c.1483G>A, p.Glu495Lys (NM_001145773.3, NM_001370433.1, NM_001370434.1); c.976G>A, p.Glu326Lys (NM_001290142.2); c.961G>A, p.Glu321Lys (NM_001290143.2); c.943G>A, p.Glu315Lys (NM_001290144.2, NM_001370451.1, NM_001370453.1 and 1 more transcripts); c.1465G>A, p.Glu489Lys (NM_001370441.1); c.1312G>A, p.Glu438Lys (NM_001370442.1); short protein forms E321K, E495K, E489K, E496K, E326K, E490K, E315K, E438K.
Identifiers: ClinVar variation 1522425 (VCV001522425.7), dbSNP rs556518689, ClinGen allele CA281580622.
Genomic context (GRCh38, chr16:57,659,594, plus strand): 5'-CGAGCCAGTGCCATCTTCCTGCACTTCTCCCTGCTCACCTGCCTTTCCTGGATGGGCCTC[G>A]AGGGGTACAACCTCTACCGACTCGTGGTGGAGGTCTTTGGCACCTATGTCCCTGGCTACC-3'
Protein context (NP_958933.1, residues 480-500): LLTCLSWMGL[Glu490Lys]GYNLYRLVVE

ClinVar aggregate classification (germline): Likely pathogenic. Review status: criteria provided, single submitter (1 of 4 stars). 2 submissions from 2 submitters: Likely pathogenic (1). 1 of the submissions does not count toward it. Last evaluated 2022-02-08.

Conditions:
Bilateral frontoparietal polymicrogyria. Also called: CEREBELLAR ATAXIA WITH NEURONAL MIGRATION DEFECT; CORTICAL DYSPLASIA, COMPLEX, WITH OTHER BRAIN MALFORMATIONS 14A (BILATERAL FRONTOPARIETAL). Identifiers: Orphanet 101070, MedGen C1847352, MONDO:0011738, OMIM 606854.

Allele frequency attached by ClinVar (database versions not stated): gnomAD exomes below 0.00001; TOPMed below 0.00001; gnomAD 0.00001; 1000 Genomes Project 0.00020; 1000 Genomes Project 30x 0.00031.
gnomAD v4.1: 8 of 1,614,018 alleles (0.0005%); highest among the groups gnomAD compares: African/African-American, 0.004%; no homozygotes.

Submissions (2):

Labcorp Genetics (formerly Invitae), Labcorp
Classification: Likely pathogenic. Last evaluated: 2022-02-08. Review status: criteria provided, single submitter. Criteria: Invitae Variant Classification Sherloc (09022015). Collection method: clinical testing. Allele origin: germline.
Comment: In summary, the currently available evidence indicates that the variant is pathogenic, but additional data are needed to prove that conclusively. Therefore, this variant has been classified as Likely Pathogenic. Experimental studies have shown that this missense change affects ADGRG1 function (PMID: 21723461, 24949629). Advanced modeling of protein sequence and biophysical properties (such as structural, functional, and spatial information, amino acid conservation, physicochemical variation, residue mobility, and thermodynamic stability) performed at Invitae indicates that this missense variant is expected to disrupt ADGRG1 protein function. This missense change has been observed in individuals with polymicrogyria (PMID: 21723461; Invitae). This variant is present in population databases (rs556518689, gnomAD 0.007%). This sequence change replaces glutamic acid, which is acidic and polar, with lysine, which is basic and polar, at codon 496 of the ADGRG1 protein (p.Glu496Lys).

OMIM
Classification: Pathogenic for CORTICAL DYSPLASIA, COMPLEX, WITH OTHER BRAIN MALFORMATIONS 14A (BILATERAL FRONTOPARIETAL). Last evaluated: 2011-07-01. Review status: no assertion criteria provided. Collection method: literature only. Allele origin: germline. Not counted in ClinVar's aggregate classification.

Literature cited by the submitters: PubMed 21723461 (cited by Labcorp Genetics (formerly Invitae), Labcorp and OMIM); PubMed 24949629 (cited by Labcorp Genetics (formerly Invitae), Labcorp).